The following is an entry in ClinVar:

NM_007294.4(BRCA1):c.1454C>T (p.Ala485Val)

Gene: BRCA1 (BRCA1 DNA repair associated; minus strand). Cytogenetic location: 17q21.31.
Variant type: single nucleotide variant.
Coding change: c.1454C>T on transcript NM_007294.4 (MANE Select); coding-DNA position 1454, C replaced by T.
Protein change: p.Ala485Val; replaces alanine 485 with valine.
Molecular consequence: missense variant. On other transcripts: intron variant (137).
Genome position (GRCh38, 1-based): chr17:43,094,077, G>A on the plus strand (C>T on the coding strand, the complement: BRCA1 is on the minus strand). VCF-style: chr17-43094077-G-A. GRCh37 (hg19) VCF-style: chr17-41246094-G-A.
Other names: c.1310C>T, p.Ala437Val (NM_001407747.1, NM_001407838.1, NM_001407839.1 and 20 more transcripts); c.1376C>T, p.Ala459Val (NM_001407655.1, NM_001407656.1, NM_001407657.1 and 4 more transcripts); c.1331C>T, p.Ala444Val (NM_001407677.1, NM_001407678.1, NM_001407679.1 and 19 more transcripts); c.1373C>T, p.Ala458Val (NM_001407659.1, NM_001407660.1, NM_001407661.1 and 1 more transcripts); c.1328C>T, p.Ala443Val (NM_001407670.1, NM_001407671.1, NM_001407672.1 and 11 more transcripts); c.1313C>T, p.Ala438Val (NM_001407750.1, NM_001407752.1, NM_001407751.1 and 29 more transcripts); c.1241C>T, p.Ala414Val (NM_001407853.1, NM_001407894.1, NM_001407895.1 and 9 more transcripts); c.1454C>T, p.Ala485Val (NM_001407854.1, NM_001407858.1, NM_001407859.1 and 30 more transcripts); and 40 more; short protein forms A189V, A414V, A418V, A459V, A317V, A396V, A437V, A438V.
Identifiers: ClinVar variation 1773016 (VCV001773016.5), dbSNP rs2154445229, ClinGen allele CA10599131.

ClinVar aggregate classification (germline): Conflicting classifications of pathogenicity. Review status: criteria provided, conflicting classifications (1 of 4 stars). 2 submissions from 2 submitters: Uncertain significance (1); Likely benign (1). Last evaluated 2025-05-15.

Conditions:
Hereditary cancer-predisposing syndrome. Also called: Hereditary Cancer Syndrome; Hereditary neoplastic syndrome; Neoplastic Syndromes, Hereditary; Tumor predisposition. Identifiers: Orphanet 140162, MedGen C0027672, MeSH D009386, MONDO:0015356.

Allele frequency attached by ClinVar (database versions not stated): gnomAD 0.00001.

Submissions (2):

Ambry Genetics
Classification: Uncertain significance for Hereditary cancer-predisposing syndrome. Last evaluated: 2025-05-15. Review status: criteria provided, single submitter. Criteria: Ambry Variant Classification Scheme 2023. Collection method: clinical testing. Allele origin: germline.
Comment: The p.A485V variant (also known as c.1454C>T), located in coding exon 9 of the BRCA1 gene, results from a C to T substitution at nucleotide position 1454. The alanine at codon 485 is replaced by valine, an amino acid with similar properties. This amino acid position is not well conserved in available vertebrate species. In addition, the in silico prediction for this alteration is inconclusive. Since supporting evidence is limited at this time, the clinical significance of this alteration remains unclear.

University of Washington Department of Laboratory Medicine, University of Washington
Classification: Likely benign for Hereditary cancer-predisposing syndrome. Last evaluated: 2023-03-23. Review status: criteria provided, single submitter. Criteria: Dines et al. (Genet Med. 2020). Collection method: curation. Allele origin: germline.
Comment: Missense variant in a coldspot region where missense variants are very unlikely to be pathogenic (PMID:31911673).

BRCA1 coldspot (exon 11 using historical exon numbering). Reclassification based on statistical prior probability